The following is an entry in ClinVar:

ClinVar aggregate classification (germline): Uncertain significance (1 of 4 stars; one submission).

Conditions:
Myopathy, proximal, and ophthalmoplegia (CMYO6). Also called: CONGENITAL MYOPATHY 6 WITH OPHTHALMOPLEGIA; INCLUSION BODY MYOPATHY 3, AUTOSOMAL DOMINANT; MYOPATHY WITH CONGENITAL JOINT CONTRACTURES, OPHTHALMOPLEGIA, AND RIMMED VACUOLES. Identifiers: Orphanet 363677, Orphanet 79091, MedGen C1854106, MONDO:0011577, OMIM 605637.

Submission:

Labcorp Genetics (formerly Invitae), Labcorp
Classification: Uncertain significance for Myopathy, proximal, and ophthalmoplegia. Last evaluated: 2023-09-04. Review status: criteria provided, single submitter. Criteria: Invitae Variant Classification Sherloc (09022015). Collection method: clinical testing. Allele origin: germline.
Comment: In summary, the available evidence is currently insufficient to determine the role of this variant in disease. Therefore, it has been classified as a Variant of Uncertain Significance. Advanced modeling of protein sequence and biophysical properties (such as structural, functional, and spatial information, amino acid conservation, physicochemical variation, residue mobility, and thermodynamic stability) performed at Invitae indicates that this missense variant is not expected to disrupt MYH2 protein function. This variant has not been reported in the literature in individuals affected with MYH2-related conditions. This variant is not present in population databases (gnomAD no frequency). This sequence change replaces alanine, which is neutral and non-polar, with valine, which is neutral and non-polar, at codon 521 of the MYH2 protein (p.Ala521Val).

NM_017534.6(MYH2):c.1562C>T (p.Ala521Val)

Genes: MYHAS (myosin heavy chain gene cluster antisense RNA; plus strand), MYH2 (myosin heavy chain 2; minus strand). Cytogenetic location: 17p13.1.
Variant type: single nucleotide variant.
Coding change: c.1562C>T on transcript NM_017534.6 (MANE Select); coding-DNA position 1562, C replaced by T.
Protein change: p.Ala521Val; replaces alanine 521 with valine.
Molecular consequence: missense variant.
Genome position (GRCh38, 1-based): chr17:10,537,690, G>A on the plus strand (C>T on the coding strand, the complement: MYH2 is on the minus strand). VCF-style: chr17-10537690-G-A. GRCh37 (hg19) VCF-style: chr17-10441007-G-A.
Other names: c.1562C>T, p.Ala521Val (NM_001100112.2); short protein forms A521V.
Identifiers: ClinVar variation 2747830 (VCV002747830.3), dbSNP rs2073499581, ClinGen allele CA398157000.